The following is an entry in ClinVar:

ClinVar aggregate classification (germline): Uncertain significance (1 of 4 stars; one submission).

Conditions:
DICER1-related tumor predisposition. Also called: DICER1-related pleuropulmonary blastoma cancer predisposition syndrome; DICER1 syndrome. Identifiers: Orphanet 284343, MedGen C3839822, MONDO:0100216.

Submission:

Labcorp Genetics (formerly Invitae), Labcorp
Classification: Uncertain significance for DICER1-related tumor predisposition. Last evaluated: 2023-10-06. Review status: criteria provided, single submitter. Criteria: Invitae Variant Classification Sherloc (09022015). Collection method: clinical testing. Allele origin: germline.
Comment: This sequence change replaces alanine, which is neutral and non-polar, with valine, which is neutral and non-polar, at codon 1462 of the DICER1 protein (p.Ala1462Val). This variant is not present in population databases (gnomAD no frequency). This variant has not been reported in the literature in individuals affected with DICER1-related conditions. ClinVar contains an entry for this variant (Variation ID: 543624). An algorithm developed to predict the effect of missense changes on protein structure and function (PolyPhen-2) suggests that this variant is likely to be disruptive. In summary, the available evidence is currently insufficient to determine the role of this variant in disease. Therefore, it has been classified as a Variant of Uncertain Significance.

NM_177438.3(DICER1):c.4385C>T (p.Ala1462Val)

Gene: DICER1 (dicer 1, ribonuclease III; minus strand). Cytogenetic location: 14q32.13.
Variant type: single nucleotide variant.
Coding change: c.4385C>T on transcript NM_177438.3 (MANE Select); coding-DNA position 4385, C replaced by T.
Protein change: p.Ala1462Val; replaces alanine 1462 with valine.
Molecular consequence: missense variant.
Genome position (GRCh38, 1-based): chr14:95,096,535, G>A on the plus strand (C>T on the coding strand, the complement: DICER1 is on the minus strand). VCF-style: chr14-95096535-G-A. GRCh37 (hg19) VCF-style: chr14-95562872-G-A.
Other names: c.4385C>T, p.Ala1462Val (NM_001195573.1, NM_001271282.3, NM_001291628.2 and 1 more transcripts); short protein forms A1462V.
Identifiers: ClinVar variation 543624 (VCV000543624.10), dbSNP rs1555367829, ClinGen allele CA390868903.